The following is an entry in ClinVar:

NM_001370466.1(NOD2):c.1457T>A (p.Met486Lys)

Gene: NOD2 (nucleotide binding oligomerization domain containing 2; plus strand). Cytogenetic location: 16q12.1.
Variant type: single nucleotide variant.
Coding change: c.1457T>A on transcript NM_001370466.1 (MANE Select); coding-DNA position 1457, T replaced by A.
Protein change: p.Met486Lys; replaces methionine 486 with lysine.
Molecular consequence: missense variant. On other transcripts: non-coding transcript variant (1).
Genome position (GRCh38, 1-based): chr16:50,711,449, T>A. VCF-style: chr16-50711449-T-A. GRCh37 (hg19) VCF-style: chr16-50745360-T-A.
Other names: c.1457T>A, p.Met486Lys (NM_001293557.2); c.1538T>A, p.Met513Lys (NM_022162.3); short protein forms M486K, M513K.
Identifiers: ClinVar variation 3752009 (VCV003752009.2).

ClinVar aggregate classification (germline): Uncertain significance (1 of 4 stars; one submission).

Conditions:
Regional enteritis. Also called: Enteritis, Granulomatous. Identifiers: MedGen C0678202, MeSH D003424.
Blau syndrome (BLAUS). Also called: GRANULOMATOSIS, FAMILIAL JUVENILE SYSTEMIC; GRANULOMATOSIS, FAMILIAL, BLAU TYPE; GRANULOMATOUS INFLAMMATORY ARTHRITIS, DERMATITIS, AND UVEITIS, FAMILIAL; JABS SYNDROME; ARTHROCUTANEOUVEAL GRANULOMATOSIS. Identifiers: Orphanet 90340, MedGen C5201146, MONDO:0008523, OMIM 186580.

Submission:

Labcorp Genetics (formerly Invitae), Labcorp
Classification: Uncertain significance for Regional enteritis; Blau syndrome. Last evaluated: 2025-02-11. Review status: criteria provided, single submitter. Criteria: Invitae Variant Classification Sherloc (09022015). Collection method: clinical testing. Allele origin: germline.
Comment: This sequence change replaces methionine, which is neutral and non-polar, with lysine, which is basic and polar, at codon 513 of the NOD2 protein (p.Met513Lys). This variant is not present in population databases (gnomAD no frequency). This variant has not been reported in the literature in individuals affected with NOD2-related conditions. Invitae Evidence Modeling of protein sequence and biophysical properties (such as structural, functional, and spatial information, amino acid conservation, physicochemical variation, residue mobility, and thermodynamic stability) has been performed for this missense variant. However, the output from this modeling did not meet the statistical confidence thresholds required to predict the impact of this variant on NOD2 protein function. This variant disrupts the p.Met513 amino acid residue in NOD2. Other variant(s) that disrupt this residue have been determined to be pathogenic (PMID: 15459013, 25416713, 25619344, 28130683, 28639104). This suggests that this residue is clinically significant, and that variants that disrupt this residue are likely to be disease-causing. In summary, the available evidence is currently insufficient to determine the role of this variant in disease. Therefore, it has been classified as a Variant of Uncertain Significance.

Literature cited by the submitters: PubMed 15459013; PubMed 25416713; PubMed 25619344; PubMed 28130683; PubMed 28639104.